The following is an entry in ClinVar:

NM_000070.3(CAPN3):c.14T>C (p.Ile5Thr)

Gene: CAPN3 (calpain 3; plus strand). Cytogenetic location: 15q15.1.
Variant type: single nucleotide variant.
Coding change: c.14T>C on transcript NM_000070.3 (MANE Select); coding-DNA position 14, T replaced by C.
Protein change: p.Ile5Thr; replaces isoleucine 5 with threonine.
Molecular consequence: missense variant.
Genome position (GRCh38, 1-based): chr15:42,359,819, T>C. VCF-style: chr15-42359819-T-C. GRCh37 (hg19) VCF-style: chr15-42652017-T-C.
Other names: c.14T>C, p.Ile5Thr (NM_024344.2, NM_173087.2); short protein forms I5T.
Identifiers: ClinVar variation 3604434 (VCV003604434.3).

ClinVar aggregate classification (germline): Uncertain significance. Review status: criteria provided, multiple submitters, no conflicts (2 of 4 stars). 2 submissions from 2 submitters: Uncertain significance (2). Last evaluated 2026-09-01.

Conditions:
Autosomal recessive limb-girdle muscular dystrophy type 2A (LGMDR1). Also called: Muscular dystrophy, limb-girdle, type 2A, Amish; Limb-girdle muscular dystrophy, type 2A; Calpainopathy; LEYDEN-MOEBIUS MUSCULAR DYSTROPHY; MUSCULAR DYSTROPHY, PELVOFEMORAL. Identifiers: Orphanet 267, MedGen C1869123, MONDO:0009675, OMIM 253600. Disease mechanism: loss of function.

gnomAD v4.1: 1 of 1,613,826 alleles (0.000062%); no homozygotes.

Submissions (2):

CeGaT Center for Human Genetics Tuebingen
Classification: Uncertain significance. Last evaluated: 2026-09-01. Review status: criteria provided, single submitter. Criteria: CeGaT Center For Human Genetics Tuebingen Variant Classification Criteria Version 2. Collection method: clinical testing. Allele origin: germline. Affected: yes. Observed: 1 variant allele.
Comment: CAPN3: PM2

Labcorp Genetics (formerly Invitae), Labcorp
Classification: Uncertain significance for Autosomal recessive limb-girdle muscular dystrophy type 2A. Last evaluated: 2024-06-11. Review status: criteria provided, single submitter. Criteria: Invitae Variant Classification Sherloc (09022015). Collection method: clinical testing. Allele origin: germline.
Comment: This sequence change replaces isoleucine, which is neutral and non-polar, with threonine, which is neutral and polar, at codon 5 of the CAPN3 protein (p.Ile5Thr). This variant is not present in population databases (gnomAD no frequency). This variant has not been reported in the literature in individuals affected with CAPN3-related conditions. Advanced modeling of protein sequence and biophysical properties (such as structural, functional, and spatial information, amino acid conservation, physicochemical variation, residue mobility, and thermodynamic stability) has been performed at Invitae for this missense variant, however the output from this modeling did not meet the statistical confidence thresholds required to predict the impact of this variant on CAPN3 protein function. In summary, the available evidence is currently insufficient to determine the role of this variant in disease. Therefore, it has been classified as a Variant of Uncertain Significance.